The following is an entry in ClinVar:

NM_032656.4(DHX37):c.2584G>A (p.Val862Met)

Gene: DHX37 (DEAH-box helicase 37; minus strand). Cytogenetic location: 12q24.31.
Variant type: single nucleotide variant.
Coding change: c.2584G>A on transcript NM_032656.4 (MANE Select); coding-DNA position 2584, G replaced by A.
Protein change: p.Val862Met; replaces valine 862 with methionine.
Molecular consequence: missense variant.
Genome position (GRCh38, 1-based): chr12:124,953,991, C>T on the plus strand (G>A on the coding strand, the complement: DHX37 is on the minus strand). VCF-style: chr12-124953991-C-T. GRCh37 (hg19) VCF-style: chr12-125438537-C-T.
Other names: c.2584G>A (NM_032656.3); short protein forms V862M.
Identifiers: ClinVar variation 2077884 (VCV002077884.6), dbSNP rs748058922, ClinGen allele CA6871573.

ClinVar aggregate classification (germline): Uncertain significance. Review status: criteria provided, multiple submitters, no conflicts (2 of 4 stars). 3 submissions from 3 submitters: Uncertain significance (3). Last evaluated 2025-09-02.

Conditions:
Inborn genetic diseases. Identifiers: MedGen C0950123, MeSH D030342.

Allele frequency attached by ClinVar (database versions not stated): gnomAD 0.00002; gnomAD exomes 0.00002; ExAC 0.00003; TOPMed 0.00003.
gnomAD v4.1: 30 of 1,613,550 alleles (0.0019%); highest among the groups gnomAD compares: Admixed American, 0.017%; no homozygotes.

Submissions (3):

Labcorp Genetics (formerly Invitae), Labcorp
Classification: Uncertain significance. Last evaluated: 2025-09-02. Review status: criteria provided, single submitter. Criteria: Invitae Variant Classification Sherloc (09022015). Collection method: clinical testing. Allele origin: germline.
Comment: This sequence change replaces valine, which is neutral and non-polar, with methionine, which is neutral and non-polar, at codon 862 of the DHX37 protein (p.Val862Met). This variant is present in population databases (rs748058922, gnomAD 0.01%). This variant has not been reported in the literature in individuals affected with DHX37-related conditions. ClinVar contains an entry for this variant (Variation ID: 2077884). Invitae Evidence Modeling of protein sequence and biophysical properties (such as structural, functional, and spatial information, amino acid conservation, physicochemical variation, residue mobility, and thermodynamic stability) indicates that this missense variant is not expected to disrupt DHX37 protein function with a negative predictive value of 80%. In summary, the available evidence is currently insufficient to determine the role of this variant in disease. Therefore, it has been classified as a Variant of Uncertain Significance.

Ambry Genetics
Classification: Uncertain significance for Inborn genetic diseases. Last evaluated: 2025-01-20. Review status: criteria provided, single submitter. Criteria: Ambry Variant Classification Scheme 2023. Collection method: clinical testing. Allele origin: germline.

GeneDx
Classification: Uncertain significance. Last evaluated: 2023-05-11. Review status: criteria provided, single submitter. Criteria: GeneDx Variant Classification Process June 2021. Collection method: clinical testing. Allele origin: germline. Affected: yes.
Comment: In silico analysis supports that this missense variant has a deleterious effect on protein structure/function; Has not been previously published as pathogenic or benign to our knowledge